The following is an entry in ClinVar:

NM_001142800.2(EYS):c.5591T>A (p.Leu1864His)

Gene: EYS (EGF-like photoreceptor maintenance factor; minus strand). Cytogenetic location: 6q12.
Variant type: single nucleotide variant.
Coding change: c.5591T>A on transcript NM_001142800.2 (MANE Select); coding-DNA position 5591, T replaced by A.
Protein change: p.Leu1864His; replaces leucine 1864 with histidine.
Molecular consequence: missense variant.
Genome position (GRCh38, 1-based): chr6:64,590,276, A>T on the plus strand (T>A on the coding strand, the complement: EYS is on the minus strand). VCF-style: chr6-64590276-A-T. GRCh37 (hg19) VCF-style: chr6-65300169-A-T.
Other names: c.5591T>A, p.Leu1864His (NM_001292009.2); short protein forms L1864H.
Identifiers: ClinVar variation 1520268 (VCV001520268.9), dbSNP rs888456388, ClinGen allele CA140340861.

ClinVar aggregate classification (germline): Uncertain significance. Review status: criteria provided, multiple submitters, no conflicts (2 of 4 stars). 2 submissions from 2 submitters: Uncertain significance (2). Last evaluated 2022-05-14.

Allele frequency attached by ClinVar (database versions not stated): gnomAD 0.00001; TOPMed 0.00001.
gnomAD v4.1: 1 of 1,550,838 alleles (0.000064%); highest among the groups gnomAD compares: African/African-American, 0.0014%; no homozygotes.

Submissions (2):

Labcorp Genetics (formerly Invitae), Labcorp
Classification: Uncertain significance. Last evaluated: 2022-05-14. Review status: criteria provided, single submitter. Criteria: Invitae Variant Classification Sherloc (09022015). Collection method: clinical testing. Allele origin: germline.
Comment: In summary, the available evidence is currently insufficient to determine the role of this variant in disease. Therefore, it has been classified as a Variant of Uncertain Significance. Algorithms developed to predict the effect of missense changes on protein structure and function are either unavailable or do not agree on the potential impact of this missense change (SIFT: "Tolerated"; PolyPhen-2: "Possibly Damaging"; Align-GVGD: "Class C0"). This sequence change replaces leucine, which is neutral and non-polar, with histidine, which is basic and polar, at codon 1864 of the EYS protein (p.Leu1864His). This variant is not present in population databases (gnomAD no frequency). This variant has not been reported in the literature in individuals affected with EYS-related conditions.

Blueprint Genetics
Classification: Uncertain significance. Last evaluated: 2019-01-29. Review status: criteria provided, single submitter. Criteria: ACMG Guidelines, 2015. Collection method: clinical testing. Allele origin: germline.